The following is an entry in ClinVar:

NM_000059.4(BRCA2):c.10096A>C (p.Ser3366Arg)

Gene: BRCA2 (BRCA2 DNA repair associated; plus strand). Cytogenetic location: 13q13.1.
Variant type: single nucleotide variant.
Coding change: c.10096A>C on transcript NM_000059.4 (MANE Select); coding-DNA position 10096, A replaced by C.
Protein change: p.Ser3366Arg; replaces serine 3366 with arginine.
Molecular consequence: missense variant.
Genome position (GRCh38, 1-based): chr13:32,398,609, A>C. VCF-style: chr13-32398609-A-C. GRCh37 (hg19) VCF-style: chr13-32972746-A-C.
Other names: short protein forms S3366R.
Identifiers: ClinVar variation 231102 (VCV000231102.9), dbSNP rs876658960, ClinGen allele CA10579857.

ClinVar aggregate classification (germline): Uncertain significance. Review status: criteria provided, multiple submitters, no conflicts (2 of 4 stars). 2 submissions from 2 submitters: Uncertain significance (2). Last evaluated 2023-05-21.

Conditions:
Hereditary cancer-predisposing syndrome. Also called: Neoplastic Syndromes, Hereditary; Tumor predisposition; Hereditary Cancer Syndrome; Hereditary neoplastic syndrome. Identifiers: Orphanet 140162, MedGen C0027672, MeSH D009386, MONDO:0015356.
Hereditary breast ovarian cancer syndrome. Also called: BRCA1- and BRCA2-Associated Hereditary Breast and Ovarian Cancer; Hereditary breast and ovarian cancer syndrome; Hereditary breast and ovarian cancer; Hereditary breast and ovarian cancer syndrome (HBOC); Breast and ovarian cancer; Hereditary breast and/or ovarian cancer syndrome. Identifiers: Orphanet 145, MedGen C0677776, MeSH D061325, MONDO:0003582. Disease mechanism: loss of function.

Submissions (2):

Labcorp Genetics (formerly Invitae), Labcorp
Classification: Uncertain significance for Hereditary breast ovarian cancer syndrome. Last evaluated: 2023-05-21. Review status: criteria provided, single submitter. Criteria: Invitae Variant Classification Sherloc (09022015). Collection method: clinical testing. Allele origin: germline.
Comment: In summary, the available evidence is currently insufficient to determine the role of this variant in disease. Therefore, it has been classified as a Variant of Uncertain Significance. Advanced modeling of protein sequence and biophysical properties (such as structural, functional, and spatial information, amino acid conservation, physicochemical variation, residue mobility, and thermodynamic stability) performed at Invitae indicates that this missense variant is not expected to disrupt BRCA2 protein function. ClinVar contains an entry for this variant (Variation ID: 231102). This variant has not been reported in the literature in individuals affected with BRCA2-related conditions. This variant is not present in population databases (gnomAD no frequency). This sequence change replaces serine, which is neutral and polar, with arginine, which is basic and polar, at codon 3366 of the BRCA2 protein (p.Ser3366Arg).

Ambry Genetics
Classification: Uncertain significance for Hereditary cancer-predisposing syndrome. Last evaluated: 2015-03-27. Review status: criteria provided, single submitter. Criteria: Ambry Variant Classification Scheme 2023. Collection method: clinical testing. Allele origin: germline.
Comment: The p.S3366R variant (also known as c.10096A>C and 10324A>C), located in coding exon 26 of the BRCA2 gene, results from an A to C substitution at nucleotide position 10096. The serine at codon 3366 is replaced by arginine, an amino acid with dissimilar properties. This variant was not reported in population based cohorts in the following databases: Database of Single Nucleotide Polymorphisms (dbSNP), NHLBI Exome Sequencing Project (ESP), and 1000 Genomes Project. In the ESP, this variant was not observed in 6503 samples (13006 alleles) with coverage at this position. To date, this alteration has been detected with an allele frequency of approximately 0.001% (greater than 105000 alleles tested) in our clinical cohort. This amino acid position is not well conserved in available vertebrate species. In addition, this alteration is predicted to be tolerated by in silico analysis. Since supporting evidence is limited at this time, the clinical significance of p.S3366R remains unclear.